The following is an entry in ClinVar:

ClinVar aggregate classification (germline): Conflicting classifications of pathogenicity. Review status: criteria provided, conflicting classifications (1 of 4 stars). 2 submissions from 2 submitters: Uncertain significance (1); Likely benign (1). Last evaluated 2025-06-03.

Conditions:
Inborn genetic diseases. Identifiers: MedGen C0950123, MeSH D030342.
Carnitine palmitoyltransferase II deficiency. Also called: Carnitine Palmitoyltransferase 2 Deficiency. Identifiers: Orphanet 157, MedGen C0342790, MONDO:0015515.

Allele frequency attached by ClinVar (database versions not stated): gnomAD exomes below 0.00001; ExAC 0.00001; gnomAD 0.00003 and 0.00004; TOPMed 0.00004; ESP Exome Variant Server 0.00008.
gnomAD v4.1: 5 of 1,614,070 alleles (0.00031%); highest among the groups gnomAD compares: African/African-American, 0.0067%; no homozygotes.

Submissions (2):

Ambry Genetics
Classification: Likely benign for Inborn genetic diseases. Last evaluated: 2025-06-03. Review status: criteria provided, single submitter. Criteria: Ambry Variant Classification Scheme 2023. Collection method: clinical testing. Allele origin: germline.

Labcorp Genetics (formerly Invitae), Labcorp
Classification: Uncertain significance for Carnitine palmitoyltransferase II deficiency. Last evaluated: 2022-04-09. Review status: criteria provided, single submitter. Criteria: Invitae Variant Classification Sherloc (09022015). Collection method: clinical testing. Allele origin: germline.
Comment: This sequence change replaces valine, which is neutral and non-polar, with alanine, which is neutral and non-polar, at codon 410 of the CPT2 protein (p.Val410Ala). This variant is present in population databases (rs372102993, gnomAD 0.008%). This variant has not been reported in the literature in individuals affected with CPT2-related conditions. Advanced modeling of protein sequence and biophysical properties (such as structural, functional, and spatial information, amino acid conservation, physicochemical variation, residue mobility, and thermodynamic stability) performed at Invitae indicates that this missense variant is not expected to disrupt CPT2 protein function. In summary, the available evidence is currently insufficient to determine the role of this variant in disease. Therefore, it has been classified as a Variant of Uncertain Significance.

NM_000098.3(CPT2):c.1229T>C (p.Val410Ala)

Gene: CPT2 (carnitine palmitoyltransferase 2; plus strand). Cytogenetic location: 1p32.3.
Variant type: single nucleotide variant.
Coding change: c.1229T>C on transcript NM_000098.3 (MANE Select); coding-DNA position 1229, T replaced by C.
Protein change: p.Val410Ala; replaces valine 410 with alanine.
Molecular consequence: missense variant.
Genome position (GRCh38, 1-based): chr1:53,210,903, T>C. VCF-style: chr1-53210903-T-C. GRCh37 (hg19) VCF-style: chr1-53676575-T-C.
Other names: c.1229T>C, p.Val410Ala (NM_001330589.2); c.1229T>C (NM_000098.2); short protein forms V410A.
Identifiers: ClinVar variation 1483288 (VCV001483288.4), dbSNP rs372102993, ClinGen allele CA859150.